The following is an entry in ClinVar:

ClinVar aggregate classification (germline): Uncertain significance (1 of 4 stars; one submission).

Conditions:
Fanconi anemia (FA). Also called: Fanconi's anemia. Identifiers: Orphanet 84, MedGen C0015625, MeSH D005199, MONDO:0019391.

Allele frequency attached by ClinVar (database versions not stated): gnomAD exomes below 0.00001; gnomAD 0.00001; TOPMed 0.00001.
gnomAD v4.1: 3 of 1,613,986 alleles (0.00019%); highest among the groups gnomAD compares: Non-Finnish European, 0.00025%; no homozygotes.

Submission:

Labcorp Genetics (formerly Invitae), Labcorp
Classification: Uncertain significance for Fanconi anemia. Last evaluated: 2025-08-07. Review status: criteria provided, single submitter. Criteria: Invitae Variant Classification Sherloc (09022015). Collection method: clinical testing. Allele origin: germline.
Comment: This sequence change replaces alanine, which is neutral and non-polar, with valine, which is neutral and non-polar, at codon 705 of the SLX4 protein (p.Ala705Val). This variant is present in population databases (no rsID available, gnomAD 0.007%). This variant has not been reported in the literature in individuals affected with SLX4-related conditions. ClinVar contains an entry for this variant (Variation ID: 855750). An algorithm developed to predict the effect of missense changes on protein structure and function outputs the following: PolyPhen-2: "Probably Damaging". The valine amino acid residue is found in multiple mammalian species, which suggests that this missense change does not adversely affect protein function. In summary, the available evidence is currently insufficient to determine the role of this variant in disease. Therefore, it has been classified as a Variant of Uncertain Significance.

NM_032444.4(SLX4):c.2114C>T (p.Ala705Val)

Gene: SLX4 (SLX4 structure-specific endonuclease subunit; minus strand). Cytogenetic location: 16p13.3.
Variant type: single nucleotide variant.
Coding change: c.2114C>T on transcript NM_032444.4 (MANE Select); coding-DNA position 2114, C replaced by T.
Protein change: p.Ala705Val; replaces alanine 705 with valine.
Molecular consequence: missense variant.
Genome position (GRCh38, 1-based): chr16:3,594,499, G>A on the plus strand (C>T on the coding strand, the complement: SLX4 is on the minus strand). VCF-style: chr16-3594499-G-A. GRCh37 (hg19) VCF-style: chr16-3644500-G-A.
Other names: short protein forms A705V.
Identifiers: ClinVar variation 855750 (VCV000855750.9), dbSNP rs1262656321, ClinGen allele CA394526039.
Genomic context (GRCh38, chr16:3,594,499, plus strand): 5'-GCCCACGTACTTACATACTGGATGAGGAGCGGGCATCGGGCATAAAGCACGAACTTGTGG[G>A]CGTAAAGCACCTCCCCGCTGTCCGTCTGAAACTGGACATCACTCAGGTGTGGGTTATTGA-3'
Protein context (NP_115820.2, residues 695-715): FQTDSGEVLY[Ala705Val]HKFVLYARCP